The following is an entry in ClinVar:

NM_000038.6(APC):c.930C>G (p.Thr310=)

Gene: APC (APC regulator of Wnt signaling pathway; plus strand). Cytogenetic location: 5q22.2.
Variant type: single nucleotide variant.
Coding change: c.930C>G on transcript NM_000038.6 (MANE Select); coding-DNA position 930, C replaced by G.
Protein change: p.Thr310=; no amino-acid change (threonine 310 retained).
Molecular consequence: synonymous variant.
Genome position (GRCh38, 1-based): chr5:112,815,590, C>G. VCF-style: chr5-112815590-C-G. GRCh37 (hg19) VCF-style: chr5-112151287-C-G.
Other names: c.930C>G, p.Thr310= (NM_001127510.3, NM_001354895.2, NM_001354896.2 and 1 more transcripts); c.876C>G, p.Thr292= (NM_001127511.3); c.960C>G, p.Thr320= (NM_001354897.2, NM_001354902.2); c.855C>G, p.Thr285= (NM_001354898.2, NM_001354904.2); c.846C>G, p.Thr282= (NM_001354899.2); c.753C>G, p.Thr251= (NM_001354900.2, NM_001354901.2, NM_001354905.2); c.81C>G, p.Thr27= (NM_001354906.2); c.930C>G (NM_000038.5).
Identifiers: ClinVar variation 1109381 (VCV001109381.49), dbSNP rs2149764113, ClinGen allele CA445755736.

ClinVar aggregate classification (germline): Benign/Likely benign. Review status: criteria provided, multiple submitters, no conflicts (2 of 4 stars). 3 submissions from 3 submitters: Benign (1); Likely benign (2). Last evaluated 2024-02-29.

Conditions:
Hereditary cancer-predisposing syndrome. Also called: Tumor predisposition; Hereditary Cancer Syndrome; Neoplastic Syndromes, Hereditary; Hereditary neoplastic syndrome. Identifiers: Orphanet 140162, MedGen C0027672, MeSH D009386, MONDO:0015356.
Familial adenomatous polyposis 1 (FAP1). Also called: POLYPOSIS, ADENOMATOUS INTESTINAL; FAMILIAL ADENOMATOUS POLYPOSIS 1, ATTENUATED. Identifiers: MedGen C2713442, MONDO:0021056, OMIM 175100. Disease mechanism: loss of function.

gnomAD v4.1: 10 of 1,609,310 alleles (0.00062%); highest among the groups gnomAD compares: Non-Finnish European, 0.00085%; no homozygotes.

Submissions (3):

Myriad Genetics, Inc.
Classification: Benign for Familial adenomatous polyposis 1. Last evaluated: 2024-02-29. Review status: criteria provided, single submitter. Criteria: Myriad Autosomal Dominant, Autosomal Recessive and X-Linked Classification Criteria (2023). Collection method: clinical testing. Allele origin: unknown.
Comment: This variant is considered benign. This variant is a silent/synonymous amino acid change and it is not expected to impact splicing.

Labcorp Genetics (formerly Invitae), Labcorp
Classification: Likely benign for Familial adenomatous polyposis 1. Last evaluated: 2024-02-17. Review status: criteria provided, single submitter. Criteria: Invitae Variant Classification Sherloc (09022015). Collection method: clinical testing. Allele origin: germline.

Ambry Genetics
Classification: Likely benign for Hereditary cancer-predisposing syndrome. Last evaluated: 2023-06-01. Review status: criteria provided, single submitter. Criteria: Ambry Variant Classification Scheme 2023. Collection method: clinical testing. Allele origin: germline.